The following is an entry in ClinVar:

ClinVar aggregate classification (germline): Benign/Likely benign. Review status: criteria provided, multiple submitters, no conflicts (2 of 4 stars). 3 submissions from 3 submitters: Benign (1); Likely benign (1). 1 of the submissions does not count toward it. Last evaluated 2022-08-01.

Conditions:
INTS8-related disorder. Also called: INTS8-related condition.

Allele frequency attached by ClinVar (database versions not stated): 1000 Genomes Project 30x 0.00172; 1000 Genomes Project 0.00180; ESP Exome Variant Server 0.00372; gnomAD 0.00405 and 0.00425; TOPMed 0.00411.
gnomAD v4.1: 6,652 of 1,272,092 alleles (0.52%); highest among the groups gnomAD compares: Non-Finnish European, 0.69%; 28 homozygotes.

Submissions (3):

CeGaT Center for Human Genetics Tuebingen
Classification: Likely benign. Last evaluated: 2022-08-01. Review status: criteria provided, single submitter. Criteria: CeGaT Center For Human Genetics Tuebingen Variant Classification Criteria Version 2. Collection method: clinical testing. Allele origin: germline. Affected: yes. Observed: 1 variant allele.
Comment: INTS8: BS2

Labcorp Genetics (formerly Invitae), Labcorp
Classification: Benign. Last evaluated: 2018-08-14. Review status: criteria provided, single submitter. Criteria: Invitae Variant Classification Sherloc (09022015). Collection method: clinical testing. Allele origin: germline.

PreventionGenetics, part of Exact Sciences
Classification: Likely benign for INTS8-related condition. Last evaluated: 2019-11-18. Review status: no assertion criteria provided. Collection method: clinical testing. Allele origin: germline. Not counted in ClinVar's aggregate classification.
Comment: This variant is classified as likely benign based on ACMG/AMP sequence variant interpretation guidelines (Richards et al. 2015 PMID: 25741868, with internal and published modifications).

NM_017864.4(INTS8):c.2263A>C (p.Ser755Arg)

Gene: INTS8 (integrator complex subunit 8; plus strand). Cytogenetic location: 8q22.1.
Variant type: single nucleotide variant.
Coding change: c.2263A>C on transcript NM_017864.4 (MANE Select); coding-DNA position 2263, A replaced by C.
Protein change: p.Ser755Arg; replaces serine 755 with arginine.
Molecular consequence: missense variant. On other transcripts: non-coding transcript variant (2).
Genome position (GRCh38, 1-based): chr8:94,866,159, A>C. VCF-style: chr8-94866159-A-C. GRCh37 (hg19) VCF-style: chr8-95878387-A-C.
Other names: short protein forms S755R.
Identifiers: ClinVar variation 782952 (VCV000782952.28), dbSNP rs150502842, ClinGen allele CA4813797.
Genomic context (GRCh38, chr8:94,866,159, plus strand): 5'-CTTGATTTTATTTTTTATTTCTAATATTAAATGTGTATTCAAAAATTTTTGTTTTGTAGG[A>C]GTGAACTGCTTTCTTTTATCAAAAAATTACGAGTAAGTTTTATTAAAAATTGCTCTAATT-3'
Protein context (NP_060334.2, residues 745-765): RESTLGIMYR[Ser755Arg]ELLSFIKKLR